The following is an entry in ClinVar:

NM_001387777.1(TNS1):c.1875C>G (p.Ile625Met)

Gene: TNS1 (tensin 1; minus strand). Cytogenetic location: 2q35.
Variant type: single nucleotide variant.
Coding change: c.1875C>G on transcript NM_001387777.1 (MANE Select); coding-DNA position 1875, C replaced by G.
Protein change: p.Ile625Met; replaces isoleucine 625 with methionine.
Molecular consequence: missense variant.
Genome position (GRCh38, 1-based): chr2:217,848,642, G>C on the plus strand (C>G on the coding strand, the complement: TNS1 is on the minus strand). VCF-style: chr2-217848642-G-C. GRCh37 (hg19) VCF-style: chr2-218713365-G-C.
Other names: c.1500C>G, p.Ile500Met (NM_001308022.2, NM_001308023.2, NM_022648.7); short protein forms I500M, I625M.
Identifiers: ClinVar variation 3059451 (VCV003059451.2), dbSNP rs181839905, ClinGen allele CA2100373.

ClinVar aggregate classification (germline): Benign (0 of 4 stars; one submission).

Conditions:
TNS1-related disorder. Also called: TNS1-related condition.

Allele frequency attached by ClinVar (database versions not stated): ESP Exome Variant Server 0.00015; gnomAD exomes 0.00057; ExAC 0.00249; 1000 Genomes Project 30x 0.00687; 1000 Genomes Project 0.00799.
gnomAD v4.1: 1,117 of 1,614,226 alleles (0.069%); highest among the groups gnomAD compares: East Asian, 2.1%; 22 homozygotes.

Submission:

PreventionGenetics, part of Exact Sciences
Classification: Benign for TNS1-related condition. Last evaluated: 2019-03-13. Review status: no assertion criteria provided. Collection method: clinical testing. Allele origin: germline.
Comment: This variant is classified as benign based on ACMG/AMP sequence variant interpretation guidelines (Richards et al. 2015 PMID: 25741868, with internal and published modifications).